The following is an entry in ClinVar:

NM_001165963.4(SCN1A):c.4309A>G (p.Ile1437Val)

Genes: SCN1A (sodium voltage-gated channel alpha subunit 1; minus strand), LOC102724058 (uncharacterized LOC102724058; plus strand). Cytogenetic location: 2q24.3.
Variant type: single nucleotide variant.
Coding change: c.4309A>G on transcript NM_001165963.4 (MANE Select); coding-DNA position 4309, A replaced by G.
Protein change: p.Ile1437Val; replaces isoleucine 1437 with valine.
Molecular consequence: missense variant. On other transcripts: non-coding transcript variant (1).
Genome position (GRCh38, 1-based): chr2:165,999,752, T>C on the plus strand (A>G on the coding strand, the complement: SCN1A is on the minus strand). VCF-style: chr2-165999752-T-C. GRCh37 (hg19) VCF-style: chr2-166856262-T-C.
Other names: c.4309A>G (NM_001165963.1); c.4225A>G, p.Ile1409Val (NM_001165964.3, NM_001353957.2, NM_001353958.2); c.4309A>G, p.Ile1437Val (NM_001202435.3, NM_001353948.2); c.4276A>G, p.Ile1426Val (NM_001353949.2, NM_001353950.2, NM_001353951.2 and 2 more transcripts); c.4273A>G, p.Ile1425Val (NM_001353954.2, NM_001353955.2); c.4222A>G, p.Ile1408Val (NM_001353960.2); c.1867A>G, p.Ile623Val (NM_001353961.2); short protein forms I1408V, I1425V, I1426V, I1409V, I1437V, I623V.
Identifiers: ClinVar variation 2756858 (VCV002756858.4), dbSNP rs2468408602, ClinGen allele CA349049591.

ClinVar aggregate classification (germline): Conflicting classifications of pathogenicity. Review status: criteria provided, conflicting classifications (1 of 4 stars). 2 submissions from 2 submitters: Likely pathogenic (1); Uncertain significance (1). Last evaluated 2024-12-09.

Conditions:
Early-infantile DEE. Also called: Ohtahara syndrome; Early infantile epileptic encephalopathy; Early infantile epileptic encephalopathy with suppression bursts. Identifiers: Orphanet 1934, MedGen C0393706, MONDO:0800491.

Submissions (2):

GeneDx
Classification: Uncertain significance. Last evaluated: 2024-12-09. Review status: criteria provided, single submitter. Criteria: GeneDx Variant Classification Process June 2021. Collection method: clinical testing. Allele origin: germline. Affected: yes.
Comment: Not observed at significant frequency in large population cohorts (gnomAD); In silico analysis indicates that this missense variant does not alter protein structure/function; This variant is associated with the following publications: (PMID: 37234784)

Labcorp Genetics (formerly Invitae), Labcorp
Classification: Likely pathogenic for Early-infantile DEE. Last evaluated: 2024-09-25. Review status: criteria provided, single submitter. Criteria: Invitae Variant Classification Sherloc (09022015). Collection method: clinical testing. Allele origin: germline.
Comment: This sequence change replaces isoleucine, which is neutral and non-polar, with valine, which is neutral and non-polar, at codon 1437 of the SCN1A protein (p.Ile1437Val). This variant is not present in population databases (gnomAD no frequency). This variant has not been reported in the literature in individuals affected with SCN1A-related conditions. Invitae Evidence Modeling of protein sequence and biophysical properties (such as structural, functional, and spatial information, amino acid conservation, physicochemical variation, residue mobility, and thermodynamic stability) indicates that this missense variant is expected to disrupt SCN1A protein function with a positive predictive value of 95%. This variant disrupts the p.Ile1437 amino acid residue in SCN1A. Other variant(s) that disrupt this residue have been determined to be pathogenic (PMID: 18930999; internal data). This suggests that this residue is clinically significant, and that variants that disrupt this residue are likely to be disease-causing. In summary, the currently available evidence indicates that the variant is pathogenic, but additional data are needed to prove that conclusively. Therefore, this variant has been classified as Likely Pathogenic.

Literature cited by the submitters: PubMed 18930999 (cited by Labcorp Genetics (formerly Invitae), Labcorp).